The following is an entry in ClinVar:

ClinVar aggregate classification (germline): Likely benign. Review status: criteria provided, multiple submitters, no conflicts (2 of 4 stars). 2 submissions from 2 submitters: Likely benign (2). Last evaluated 2026-06-18.

Conditions:
Retinoblastoma (RB1). Also called: RETINOBLASTOMA, SOMATIC. Identifiers: Orphanet 790, MedGen C0035335, MeSH D012175, MONDO:0008380, OMIM 180200, HP:0009919. Disease mechanism: loss of function. Inheritance: Both sporadic and heritable forms are tested..

Submissions (2):

Myriad Genetics, Inc.
Classification: Likely benign for Retinoblastoma. Last evaluated: 2026-06-18. Review status: criteria provided, single submitter. Criteria: Myriad Autosomal Dominant, Autosomal Recessive and X-Linked Classification Criteria (2023). Collection method: clinical testing. Allele origin: unknown.
Comment: This variant is considered likely benign. This variant is intronic and is not expected to impact mRNA splicing.

Labcorp Genetics (formerly Invitae), Labcorp
Classification: Likely benign for Retinoblastoma. Last evaluated: 2025-10-30. Review status: criteria provided, single submitter. Criteria: Invitae Variant Classification Sherloc (09022015). Collection method: clinical testing. Allele origin: germline.

NM_000321.3(RB1):c.138-6T>C

Gene: RB1 (RB transcriptional corepressor 1; plus strand). Cytogenetic location: 13q14.2.
Variant type: single nucleotide variant.
Coding change: c.138-6T>C on transcript NM_000321.3 (MANE Select); 6 bases into the intron before coding-DNA position 138, T replaced by C.
Molecular consequence: intron variant.
Genome position (GRCh38, 1-based): chr13:48,307,274, T>C. VCF-style: chr13-48307274-T-C. GRCh37 (hg19) VCF-style: chr13-48881410-T-C.
Identifiers: ClinVar variation 1127940 (VCV001127940.10), dbSNP rs2138033764, ClinGen allele CA2499222423.